The following is an entry in ClinVar:

ClinVar aggregate classification (germline): Uncertain significance. Review status: criteria provided, multiple submitters, no conflicts (2 of 4 stars). 3 submissions from 3 submitters: Uncertain significance (3). Last evaluated 2024-05-30.

Conditions:
Hereditary cancer-predisposing syndrome. Also called: Hereditary neoplastic syndrome; Neoplastic Syndromes, Hereditary; Tumor predisposition; Hereditary Cancer Syndrome. Identifiers: Orphanet 140162, MedGen C0027672, MeSH D009386, MONDO:0015356.
Intrauterine growth retardation, metaphyseal dysplasia, adrenal hypoplasia congenita, genital anomalies, and immunodeficiency. Also called: IMAGEI SYNDROME. Identifiers: MedGen C5193036, MONDO:0032684, OMIM 618336.
Colorectal cancer, susceptibility to, 12 (CRCS12). Also called: COLORECTAL CANCER, SUSCEPTIBILITY TO, ON CHROMOSOME 12q24. Identifiers: Orphanet 220460, MedGen C3554460, MONDO:0014038, OMIM 615083.
Facial dysmorphism-immunodeficiency-livedo-short stature syndrome. Also called: FILS syndrome; Facial dysmorphism, immunodeficiency, livedo, and short stature. Identifiers: Orphanet 352712, MedGen C3554576, MONDO:0014058, OMIM 615139.

Allele frequency attached by ClinVar (database versions not stated): gnomAD exomes below 0.00001; gnomAD 0.00001.
gnomAD v4.1: 3 of 1,612,014 alleles (0.00019%); highest among the groups gnomAD compares: Non-Finnish European, 0.00025%; no homozygotes.

Submissions (3):

Fulgent Genetics
Classification: Uncertain significance for Colorectal cancer, susceptibility to, 12; Facial dysmorphism-immunodeficiency-livedo-short stature syndrome; Intrauterine growth retardation, metaphyseal dysplasia, adrenal hypoplasia congenita, genital anomalies, and immunodeficiency. Last evaluated: 2024-05-30. Review status: criteria provided, single submitter. Criteria: ACMG Guidelines, 2015. Collection method: clinical testing. Allele origin: germline.

Ambry Genetics
Classification: Uncertain significance for Hereditary cancer-predisposing syndrome. Last evaluated: 2024-03-23. Review status: criteria provided, single submitter. Criteria: Ambry Variant Classification Scheme 2023. Collection method: clinical testing. Allele origin: germline.
Comment: The p.H708R variant (also known as c.2123A>G), located in coding exon 19 of the POLE gene, results from an A to G substitution at nucleotide position 2123. The histidine at codon 708 is replaced by arginine, an amino acid with highly similar properties. This amino acid position is conserved. In addition, the in silico prediction for this alteration is inconclusive. Since supporting evidence is limited at this time, the clinical significance of this alteration remains unclear.

Labcorp Genetics (formerly Invitae), Labcorp
Classification: Uncertain significance. Last evaluated: 2023-07-12. Review status: criteria provided, single submitter. Criteria: Invitae Variant Classification Sherloc (09022015). Collection method: clinical testing. Allele origin: germline.
Comment: In summary, the available evidence is currently insufficient to determine the role of this variant in disease. Therefore, it has been classified as a Variant of Uncertain Significance. Advanced modeling of protein sequence and biophysical properties (such as structural, functional, and spatial information, amino acid conservation, physicochemical variation, residue mobility, and thermodynamic stability) performed at Invitae indicates that this missense variant is not expected to disrupt POLE protein function. ClinVar contains an entry for this variant (Variation ID: 942198). This variant has not been reported in the literature in individuals affected with POLE-related conditions. This variant is not present in population databases (gnomAD no frequency). This sequence change replaces histidine, which is basic and polar, with arginine, which is basic and polar, at codon 708 of the POLE protein (p.His708Arg).

NM_006231.4(POLE):c.2123A>G (p.His708Arg)

Gene: POLE (DNA polymerase epsilon, catalytic subunit; minus strand). Cytogenetic location: 12q24.33.
Variant type: single nucleotide variant.
Coding change: c.2123A>G on transcript NM_006231.4 (MANE Select); coding-DNA position 2123, A replaced by G.
Protein change: p.His708Arg; replaces histidine 708 with arginine.
Molecular consequence: missense variant.
Genome position (GRCh38, 1-based): chr12:132,668,406, T>C on the plus strand (A>G on the coding strand, the complement: POLE is on the minus strand). VCF-style: chr12-132668406-T-C. GRCh37 (hg19) VCF-style: chr12-133244992-T-C.
Other names: short protein forms H708R.
Identifiers: ClinVar variation 942198 (VCV000942198.14), dbSNP rs2042844365, ClinGen allele CA387353824.